The following is an entry in ClinVar:

ClinVar aggregate classification (germline): Uncertain significance (1 of 4 stars; one submission).

Submission:

GeneDx
Classification: Uncertain significance. Last evaluated: 2026-03-13. Review status: criteria provided, single submitter. Criteria: GeneDx Variant Classification Process June 2021. Collection method: clinical testing. Allele origin: germline.
Comment: Frameshift variant predicted to result in protein truncation or nonsense mediated decay in a gene for which loss of function is a known mechanism of disease; Has not been previously published as pathogenic or benign to our knowledge

NM_004446.3(EPRS1):c.3423dup (p.Ile1142fs)

Gene: EPRS1 (glutamyl-prolyl-tRNA synthetase 1; minus strand). Cytogenetic location: 1q41.
Variant type: Duplication.
Coding change: c.3423dup on transcript NM_004446.3 (MANE Select); coding-DNA position 3423, one base duplicated (C; older notation c.3423dupC).
Protein change: p.Ile1142fs; shifts the reading frame from isoleucine 1142.
Molecular consequence: frameshift variant.
Genome position (GRCh38, 1-based): chr1:219,981,408, G duplicated on the plus strand (C on the coding strand, the reverse complement: EPRS1 is on the minus strand); the first of 3 consecutive G bases (chr1:219,981,408-219,981,410); duplicating any one gives the same sequence. VCF-style (leftmost placement, unchanged base first): chr1-219981407-T-TG. GRCh37 (hg19) VCF-style: chr1-220154749-T-TG.
Other names: short protein forms I1142fs.
Identifiers: ClinVar variation 5009147 (VCV005009147.1).